The following is an entry in ClinVar:

NM_000085.5(CLCNKB):c.1451C>T (p.Thr484Met)

Genes: CLCNKB (chloride voltage-gated channel Kb; plus strand), LOC106501713 (CLCNKB recombination region; plus strand). Cytogenetic location: 1p36.13.
Variant type: single nucleotide variant.
Coding change: c.1451C>T on transcript NM_000085.5 (MANE Select); coding-DNA position 1451, C replaced by T.
Protein change: p.Thr484Met; replaces threonine 484 with methionine.
Molecular consequence: missense variant.
Genome position (GRCh38, 1-based): chr1:16,052,240, C>T. VCF-style: chr1-16052240-C-T. GRCh37 (hg19) VCF-style: chr1-16378735-C-T.
Other names: c.944C>T, p.Thr315Met (NM_001165945.2); c.1451C>T (NM_000085.3); short protein forms T484M, T315M.
Identifiers: ClinVar variation 1984005 (VCV001984005.5), dbSNP rs374545641, ClinGen allele CA623878.

ClinVar aggregate classification (germline): Uncertain significance. Review status: criteria provided, multiple submitters, no conflicts (2 of 4 stars). 3 submissions from 3 submitters: Uncertain significance (3). Last evaluated 2025-01-07.

Conditions:
Inborn genetic diseases. Identifiers: MedGen C0950123, MeSH D030342.
Bartter disease type 4B. Also called: BARTTER SYNDROME, TYPE 4B; BARTTER SYNDROME, TYPE 4B, NEONATAL, WITH SENSORINEURAL DEAFNESS; Bartter syndrome, type 4b, digenic. Identifiers: Orphanet 112, MedGen C4310805, MONDO:0000909, OMIM 613090.
Bartter disease type 3. Also called: Bartter syndrome type 3. Identifiers: Orphanet 112, Orphanet 93605, MedGen C1846343, MONDO:0011822, OMIM 607364.

Allele frequency attached by ClinVar (database versions not stated): TOPMed 0.00003; ExAC 0.00004; gnomAD 0.00007; ESP Exome Variant Server 0.00008.
gnomAD v4.1: 25 of 1,613,296 alleles (0.0015%); highest among the groups gnomAD compares: African/African-American, 0.017%; no homozygotes.

Submissions (3):

Ambry Genetics
Classification: Uncertain significance for Inborn genetic diseases. Last evaluated: 2025-01-07. Review status: criteria provided, single submitter. Criteria: Ambry Variant Classification Scheme 2023. Collection method: clinical testing. Allele origin: germline.

Fulgent Genetics
Classification: Uncertain significance for Bartter disease type 3; Bartter disease type 4B. Last evaluated: 2024-05-31. Review status: criteria provided, single submitter. Criteria: ACMG Guidelines, 2015. Collection method: clinical testing. Allele origin: germline.

Labcorp Genetics (formerly Invitae), Labcorp
Classification: Uncertain significance. Last evaluated: 2024-02-17. Review status: criteria provided, single submitter. Criteria: Invitae Variant Classification Sherloc (09022015). Collection method: clinical testing. Allele origin: germline.
Comment: This sequence change replaces threonine, which is neutral and polar, with methionine, which is neutral and non-polar, at codon 484 of the CLCNKB protein (p.Thr484Met). This variant is present in population databases (rs374545641, gnomAD 0.02%). This variant has not been reported in the literature in individuals affected with CLCNKB-related conditions. ClinVar contains an entry for this variant (Variation ID: 1984005). Advanced modeling of protein sequence and biophysical properties (such as structural, functional, and spatial information, amino acid conservation, physicochemical variation, residue mobility, and thermodynamic stability) performed at Invitae indicates that this missense variant is expected to disrupt CLCNKB protein function with a positive predictive value of 80%. In summary, the available evidence is currently insufficient to determine the role of this variant in disease. Therefore, it has been classified as a Variant of Uncertain Significance.